The following is an entry in ClinVar:

NM_000377.3(WAS):c.223G>A (p.Val75Met)

Gene: WAS (WASP actin nucleation promoting factor; plus strand). Cytogenetic location: Xp11.23.
Variant type: single nucleotide variant.
Coding change: c.223G>A on transcript NM_000377.3 (MANE Select); coding-DNA position 223, G replaced by A.
Protein change: p.Val75Met; replaces valine 75 with methionine.
Molecular consequence: missense variant.
Genome position (GRCh38, 1-based): chrX:48,684,373, G>A. VCF-style: chrX-48684373-G-A. GRCh37 (hg19) VCF-style: chrX-48542762-G-A.
Other names: short protein forms V75M.
Identifiers: ClinVar variation 265289 (VCV000265289.21), dbSNP rs782290433, ClinGen allele CA10403870.

ClinVar aggregate classification (germline): Pathogenic. Review status: criteria provided, multiple submitters, no conflicts (2 of 4 stars). 10 submissions from 10 submitters: Pathogenic (10). Last evaluated 2025-10-22.

Conditions:
WAS-related disorder. Also called: WAS-related condition; WAS-Related Disorders. Identifiers: MedGen CN381538.
Bleeding and platelet disorders.
Wiskott-Aldrich syndrome (WAS). Also called: ALDRICH SYNDROME; IMMUNODEFICIENCY 2; WISKOTT-ALDRICH SYNDROME 1; Wiskott-aldrich syndrome, somatic. Identifiers: Orphanet 906, MedGen C0043194, MONDO:0010518, OMIM 301000.
Thrombocytopenia 1. Also called: X-Linked Thrombocytopenia (XLT); X-linked thrombocytopenia with normal platelets; THROMBOCYTOPENIA, X-LINKED, 1. Identifiers: Orphanet 268322, Orphanet 852, MedGen C1839163, MONDO:0010743, OMIM 313900.
X-linked severe congenital neutropenia (SCNX). Identifiers: Orphanet 86788, MedGen C1845987, MONDO:0010294, OMIM 300299.

Allele frequency attached by ClinVar (database versions not stated): ExAC 0.00001; gnomAD 0.00001; gnomAD exomes 0.00001; 1000 Genomes Project 30x 0.00021; 1000 Genomes Project 0.00026.
gnomAD v4.1: 1 of 1,209,736 alleles (0.000083%); highest among the groups gnomAD compares: African/African-American, 0.0018%; no homozygotes.

Submissions (10):

3billion
Classification: Pathogenic for Wiskott-Aldrich syndrome. Last evaluated: 2025-10-22. Review status: criteria provided, single submitter. Criteria: ACMG Guidelines, 2015. Collection method: clinical testing. Allele origin: germline. Affected: yes.
Comment: The variant is observed at an extremely low frequency in the gnomAD v4.1.0 dataset (total allele frequency: <0.001%). Predicted Consequence/Location: Missense variant Functional studies provide moderate evidence of the variant having a damaging effect on the gene or gene product (PMID: 26261240). In silico tool predictions suggest damaging effect of the variant on gene or gene product [REVEL: 0.95 (>=0.6, sensitivity 0.68 and specificity 0.92); 3Cnet: 0.99 (> 0.75, sensitivity 0.96 and precision 0.92)]. The same nucleotide change resulting in the same amino acid change has been previously reported as pathogenic/likely pathogenic with strong evidence (ClinVar ID: VCV000265289 /PMID: 8528198 /3billion dataset). Different missense changes at the same codon (p.Val75Gly, p.Val75Leu) have been reported to be associated with WAS-related disorder (PMID: 33936041, 38579284). Therefore, this variant is classified as Pathogenic according to the recommendation of ACMG/AMP guideline.

Genetics Laboratory, Great Ormond Street Hospital NHS Foundation Trust, North Thames Genomic Laboratory Hub
Classification: Pathogenic for Wiskott-Aldrich syndrome. Last evaluated: 2025-10-09. Review status: criteria provided, single submitter. Criteria: ACGS Best Practice Guidelines for Variant Classification in Rare Disease 2024 v1.2. Collection method: clinical testing. Allele origin: germline. Affected: yes.
Comment: PS4_moderate, PM2_moderate, PP3_supporting, PS3_supporting, PM1_moderate, PS2_moderate, PP4_strong

North West Genomic Laboratory Hub, Manchester University NHS Foundation Trust
Classification: Pathogenic for Bleeding and platelet disorders. Last evaluated: 2025-09-15. Review status: criteria provided, single submitter. Criteria: ACGS Best Practice Guidelines for Variant Classification in Rare Disease 2020. Collection method: clinical testing. Allele origin: germline. Affected: yes.
Comment: PP3_Supp PS3_Mod PP1_Str PS4_Mod PM2_Mod

Labcorp Genetics (formerly Invitae), Labcorp
Classification: Pathogenic for Wiskott-Aldrich syndrome; X-linked severe congenital neutropenia; Thrombocytopenia 1. Last evaluated: 2025-08-03. Review status: criteria provided, single submitter. Criteria: Invitae Variant Classification Sherloc (09022015). Collection method: clinical testing. Allele origin: germline.
Comment: This sequence change replaces valine, which is neutral and non-polar, with methionine, which is neutral and non-polar, at codon 75 of the WAS protein (p.Val75Met). This variant is present in population databases (rs782290433, gnomAD 0.008%). This missense change has been observed in individuals with X-linked thrombocytopenia (XLT) (PMID: 8528198, 8528199, 8595430, 9326235, 11793485, 12969986, 15284122, 20173115, 21185603, 27264129, 28931895). It has also been observed to segregate with disease in related individuals. This variant is also known as c.257G>A. ClinVar contains an entry for this variant (Variation ID: 265289). Invitae Evidence Modeling of protein sequence and biophysical properties (such as structural, functional, and spatial information, amino acid conservation, physicochemical variation, residue mobility, and thermodynamic stability) has been performed for this missense variant. However, the output from this modeling did not meet the statistical confidence thresholds required to predict the impact of this variant on WAS protein function. Experimental studies have shown that this missense change affects WAS function (PMID: 19817875, 26261240). For these reasons, this variant has been classified as Pathogenic.

Fulgent Genetics
Classification: Pathogenic for X-linked severe congenital neutropenia; Wiskott-Aldrich syndrome; Thrombocytopenia 1. Last evaluated: 2024-05-23. Review status: criteria provided, single submitter. Criteria: ACMG Guidelines, 2015. Collection method: clinical testing. Allele origin: germline.

Blueprint Genetics
Classification: Pathogenic for WAS-related disorders. Last evaluated: 2021-03-24. Review status: criteria provided, single submitter. Criteria: ACMG Guidelines, 2015. Collection method: clinical testing. Allele origin: germline. Affected: yes. Observed: 3 variant alleles.

Genetic Services Laboratory, University of Chicago
Classification: Pathogenic. Last evaluated: 2018-02-20. Review status: criteria provided, single submitter. Criteria: ACMG Guidelines, 2015. Collection method: clinical testing. Allele origin: germline. Affected: yes.

Women's Health and Genetics/Laboratory Corporation of America, LabCorp
Classification: Pathogenic for Thrombocytopenia 1. Last evaluated: 2017-05-05. Review status: criteria provided, single submitter. Criteria: LabCorp Variant Classification Summary - May 2015. Collection method: clinical testing. Allele origin: germline.
Comment: Variant summary: The WAS c.223G>A (p.Val75Met) variant located in the WASP family, EVH1 domain (via InterPro) involves the alteration of a non-conserved nucleotide and 3/4 in silico tools (SNPsandGO not captured here due to low reliability index) predict a damaging outcome. Functional studies, Rajmohan_2009 and Sarkar_2015, indicate that the varaint does impact WAS protein functionality. This variant was found in 1/80511 control chromosomes at a frequency of 0.0000124, which does not exceed the estimated maximal expected allele frequency of a pathogenic WAS variant (0.0035355). The variant of interest has been reported in multiple affected individuals diagnosed with X-linked thrombocytopenia. In addition, a clinical diagnostic laboratory classifies this variant as pathogenic. Furthermore, additional variants affecting the same amino acid, c.223G>T (p.V75L), and surrounding, c.221T>C (p.F74S), c.227A>C (p.K76T), and c.218G>A (p.C73Y), have all been reported and classified as pathogenic, suggesting the variant resides in a mutational hotspot. Therefore, taking all available lines of evidence into consideration, the variant of interest has been classified as "pathogenic."

GeneDx
Classification: Pathogenic. Last evaluated: 2016-02-19. Review status: criteria provided, single submitter. Criteria: GeneDx Variant Classification (06012015). Collection method: clinical testing. Allele origin: germline. Affected: yes.
Comment: The V75M missense variant in the WAS gene has been reported previously in association with WAS-related disorders (Albert et al., 2010; Kolluri et al., 1995). Please note, the Kolluri paper uses alternative cDNA nomenclature and indicates the position of the G>A nucleotide substitution at c.257. The V75M variant was not observed at any significant frequency in approximately 6,500 individuals of European and African American ancestry in the NHLBI Exome Sequencing Project, indicating it is not a common benign variant in these populations. This substitution occurs at a position within the WH1 domain that is conserved across species, and in silico analysis predicts this variant is probably damaging to the protein structure/function. Functional studies have shown that V75M causes a severe negative effect on WAS protein function by interfering with WAS SUMOylation (Sarkar et al., 2015). Missense variants in the same codon (V75L) and in nearby residues (C73R/Y, F74S, K76T, D77H/G) have been reported in the Human Gene Mutation Database in association with WAS-related disorders (Stenson et al., 2014), supporting the functional importance of this region of the protein. Therefore, this variant is pathogenic.

Center for Genomics, Ann and Robert H. Lurie Children's Hospital of Chicago
Classification: Pathogenic for Wiskott-Aldrich syndrome; X-linked severe congenital neutropenia; Thrombocytopenia 1. Review status: criteria provided, single submitter. Criteria: ACMG Guidelines, 2015. Collection method: clinical testing. Allele origin: germline.
Comment: WAS NM_000377.2 exon 2 p.Val75Met (c.223G>A): This variant has been reported in the literature in >10 individuals with X-linked thrombocytopenia (Kolluri 1995 PMID:8528198 (using alternate nomenclature c.257G>A), Albert 2010 PMID:20173115, Leblebisatan 2011 PMID:27264129). This variant is present in 1/12157 African alleles in the Genome Aggregation Database. Please note, disease causing variants may be present in control databases at low frequencies, reflective of the general population and/or variable expressivity. This variant is present in ClinVar (Variation ID:265289). Evolutionary conservation and computational predictive tools suggest that this variant may impact the protein. In addition, functional studies have shown a deleterious effect of this variant (Albert 2010 PMID:20173115, Sarkar 2015 PMID:26261240). In summary, this variant is classified as pathogenic.

Literature cited by the submitters: PubMed 33936041 (cited by 3billion); PubMed 8528198 (cited by 3billion and Labcorp Genetics (formerly Invitae), Labcorp); PubMed 26261240 (cited by 3 submitters); PubMed 8528199 (cited by Labcorp Genetics (formerly Invitae), Labcorp); PubMed 8595430 (cited by Labcorp Genetics (formerly Invitae), Labcorp); PubMed 9326235 (cited by Labcorp Genetics (formerly Invitae), Labcorp); PubMed 11793485 (cited by Labcorp Genetics (formerly Invitae), Labcorp); PubMed 12969986 (cited by Labcorp Genetics (formerly Invitae), Labcorp); PubMed 15284122 (cited by Labcorp Genetics (formerly Invitae), Labcorp); PubMed 20173115 (cited by Labcorp Genetics (formerly Invitae), Labcorp and Women's Health and Genetics/Laboratory Corporation of America, LabCorp); PubMed 21185603 (cited by Labcorp Genetics (formerly Invitae), Labcorp); PubMed 27264129 (cited by Labcorp Genetics (formerly Invitae), Labcorp); PubMed 28931895 (cited by Labcorp Genetics (formerly Invitae), Labcorp); PubMed 19817875 (cited by Labcorp Genetics (formerly Invitae), Labcorp and Women's Health and Genetics/Laboratory Corporation of America, LabCorp).